The following is an entry in ClinVar:

NM_002838.5(PTPRC):c.1710T>A (p.His570Gln)

Gene: PTPRC (protein tyrosine phosphatase receptor type C; plus strand). Cytogenetic location: 1q32.1.
Variant type: single nucleotide variant.
Coding change: c.1710T>A on transcript NM_002838.5 (MANE Select); coding-DNA position 1710, T replaced by A.
Protein change: p.His570Gln; replaces histidine 570 with glutamine.
Molecular consequence: missense variant.
Genome position (GRCh38, 1-based): chr1:198,722,466, T>A. VCF-style: chr1-198722466-T-A. GRCh37 (hg19) VCF-style: chr1-198691595-T-A.
Other names: p.H568Q:CAT>CAA; c.1227T>A, p.His409Gln (NM_080921.4); short protein forms H570Q, H409Q.
Identifiers: ClinVar variation 138850 (VCV000138850.16), dbSNP rs12136658, ClinGen allele CA292986.
Genomic context (GRCh38, chr1:198,722,466, plus strand): 5'-TGAAATTCAGGCCTATTTTCACAATGGAGACTATCCTGGAGAACCCTTTATTTTACATCA[T>A]TCAACATCTTGTAAGTTATCACTGGGCTATTTATTATATATATTAAGATATATATTAATG-3'
Protein context (NP_002829.3, residues 560-580): DYPGEPFILH[His570Gln]STSYNSKALI

ClinVar aggregate classification (germline): Benign/Likely benign. Review status: criteria provided, multiple submitters, no conflicts (2 of 4 stars). 7 submissions from 7 submitters: Benign (3); Likely benign (2). 2 of the submissions do not count toward it. Last evaluated 2026-01-26.

Conditions:
Immunodeficiency 104. Also called: Severe combined immunodeficiency, autosomal recessive, T cell-negative, B cell-positive, NK cell-positive; SCID, AUTOSOMAL RECESSIVE, T CELL-NEGATIVE, B CELL-POSITIVE, NK CELL-POSITIVE; Severe Combined Immune Deficiency, Autosomal Recessive, TCell -Negative, B Cell-Positive, NK Cell-Positive, IL7R-Related; IMMUNODEFICIENCY 104, SEVERE COMBINED. Identifiers: MedGen C5676890, MONDO:0012163, OMIM 608971.

Allele frequency attached by ClinVar (database versions not stated): TOPMed 0.00994; 1000 Genomes Project 30x 0.00531; 1000 Genomes Project 0.00559; ESP Exome Variant Server 0.01283; gnomAD 0.01344 and 0.01324; ExAC 0.01357; gnomAD exomes 0.01448 and 0.01532.
gnomAD v4.1: 21,999 of 1,463,760 alleles (1.5%); highest among the groups gnomAD compares: Non-Finnish European, 1.6%; 243 homozygotes.

Submissions (7):

Labcorp Genetics (formerly Invitae), Labcorp
Classification: Benign for Immunodeficiency 104. Last evaluated: 2026-01-26. Review status: criteria provided, single submitter. Criteria: Invitae Variant Classification Sherloc (09022015). Collection method: clinical testing. Allele origin: germline.

Women's Health and Genetics/Laboratory Corporation of America, LabCorp
Classification: Likely benign. Last evaluated: 2026-01-23. Review status: criteria provided, single submitter. Criteria: LabCorp Variant Classification Summary - May 2015. Collection method: clinical testing. Allele origin: germline.

Blueprint Genetics
Classification: Likely benign. Last evaluated: 2024-11-25. Review status: criteria provided, single submitter. Criteria: ACMG Guidelines, 2015. Collection method: clinical testing. Allele origin: germline.

GeneDx
Classification: Benign. Last evaluated: 2013-08-02. Review status: criteria provided, single submitter. Criteria: GeneDx Variant Classification (06012015). Collection method: clinical testing. Allele origin: germline. Affected: yes.
Comment: This variant is considered likely benign or benign based on one or more of the following criteria: it is a conservative change, it occurs at a poorly conserved position in the protein, it is predicted to be benign by multiple in silico algorithms, and/or has population frequency not consistent with disease.

Breakthrough Genomics
Classification: Benign. Review status: criteria provided, single submitter. Criteria: ACMG Guidelines, 2015. Collection method: not provided. Allele origin: germline. Inheritance: Autosomal recessive inheritance. Affected: yes.

Genome Diagnostics Laboratory, University Medical Center Utrecht
Classification: Likely benign. Review status: no assertion criteria provided. Collection method: clinical testing. Allele origin: germline. Affected: yes. Study: VKGL Data-share Consensus. Not counted in ClinVar's aggregate classification.

Joint Genome Diagnostic Labs from Nijmegen and Maastricht, Radboudumc and MUMC+
Classification: Benign. Review status: no assertion criteria provided. Collection method: clinical testing. Allele origin: germline. Affected: yes. Study: VKGL Data-share Consensus. Not counted in ClinVar's aggregate classification.